The following is an entry in ClinVar:

ClinVar aggregate classification (germline): Uncertain significance (1 of 4 stars; one submission).

Conditions:
Hypertrophic cardiomyopathy. Also called: HYPERTROPHIC MYOCARDIOPATHY. Identifiers: Orphanet 217569, MedGen C0007194, MeSH D002312, MONDO:0005045, HP:0001639.

Submission:

Labcorp Genetics (formerly Invitae), Labcorp
Classification: Uncertain significance for Hypertrophic cardiomyopathy. Last evaluated: 2026-01-18. Review status: criteria provided, single submitter. Criteria: Invitae Variant Classification Sherloc (09022015). Collection method: clinical testing. Allele origin: germline.
Comment: This variant, c.3458_3463del, results in the deletion of 2 amino acid(s) of the MYH7 protein (p.Ala1153_Gly1154del), but otherwise preserves the integrity of the reading frame. This variant is not present in population databases (gnomAD no frequency). This variant has not been reported in the literature in individuals affected with MYH7-related conditions. Experimental studies and prediction algorithms are not available or were not evaluated, and the functional significance of this variant is currently unknown. In summary, the available evidence is currently insufficient to determine the role of this variant in disease. Therefore, it has been classified as a Variant of Uncertain Significance.

NM_000257.4(MYH7):c.3458_3463del (p.Ala1153_Gly1154del)

Gene: MYH7 (myosin heavy chain 7; minus strand). Cytogenetic location: 14q11.2.
Variant type: Deletion.
Coding change: c.3458_3463del on transcript NM_000257.4 (MANE Select); coding-DNA positions 3458 to 3463, 6 bases deleted (CCGGCG; older notation c.3458_3463delCCGGCG).
Protein change: p.Ala1153_Gly1154del.
Molecular consequence: inframe deletion.
Genome position (GRCh38, 1-based): chr14:23,420,108-23,420,113, CGCCGG deleted on the plus strand (CCGGCG on the coding strand, the reverse complement: MYH7 is on the minus strand); deleting any 6 consecutive bases within chr14:23,420,108-23,420,114 gives the same sequence; the c. name uses the placement nearest the transcript's 3' end. VCF-style (leftmost placement, unchanged base first): chr14-23420107-CCGCCGG-C. GRCh37 (hg19) VCF-style: chr14-23889316-CCGCCGG-C.
Other names: c.3458_3463del, p.Ala1153_Gly1154del (NM_001407004.1).
Identifiers: ClinVar variation 4753357 (VCV004753357.1).